The following is an entry in ClinVar:

NM_012268.4(PLD3):c.1071C>T (p.Gly357=)

Gene: PLD3 (phospholipase D family member 3; plus strand). Cytogenetic location: 19q13.2.
Variant type: single nucleotide variant.
Coding change: c.1071C>T on transcript NM_012268.4 (MANE Select); coding-DNA position 1071, C replaced by T.
Protein change: p.Gly357=; no amino-acid change (glycine 357 retained).
Molecular consequence: synonymous variant.
Genome position (GRCh38, 1-based): chr19:40,376,660, C>T. VCF-style: chr19-40376660-C-T. GRCh37 (hg19) VCF-style: chr19-40882567-C-T.
Other names: p.Gly357=; c.1071C>T, p.Gly357= (NM_001031696.4, NM_001291311.2).
Identifiers: ClinVar variation 2037534 (VCV002037534.6), dbSNP rs147721393, ClinGen allele CA9442931.

ClinVar aggregate classification (germline): Benign/Likely benign. Review status: criteria provided, multiple submitters, no conflicts (2 of 4 stars). 3 submissions from 3 submitters: Benign (1); Likely benign (2). Last evaluated 2025-12-08.

Allele frequency attached by ClinVar (database versions not stated): TOPMed 0.00076; 1000 Genomes Project 30x 0.00094; gnomAD 0.00096; 1000 Genomes Project 0.00100; ESP Exome Variant Server 0.00100; ExAC 0.00103; gnomAD exomes 0.00159.
gnomAD v4.1: 2,447 of 1,607,072 alleles (0.15%); highest among the groups gnomAD compares: Non-Finnish European, 0.18%; 1 homozygote.

Submissions (3):

Labcorp Genetics (formerly Invitae), Labcorp
Classification: Benign. Last evaluated: 2025-12-08. Review status: criteria provided, single submitter. Criteria: Invitae Variant Classification Sherloc (09022015). Collection method: clinical testing. Allele origin: germline.

Mayo Clinic Laboratories, Mayo Clinic
Classification: Likely benign. Last evaluated: 2025-12-05. Review status: criteria provided, single submitter. Criteria: ACMG Guidelines, 2015. Collection method: clinical testing. Allele origin: germline. Observed: 1 variant allele.
Comment: BS2, BP4, BP7

Blueprint Genetics
Classification: Likely benign. Last evaluated: 2024-11-05. Review status: criteria provided, single submitter. Criteria: ACMG Guidelines, 2015. Collection method: clinical testing. Allele origin: germline.